The following is an entry in ClinVar:

NM_000540.3(RYR1):c.14132C>G (p.Ser4711Cys)

Gene: RYR1 (ryanodine receptor 1; plus strand). Cytogenetic location: 19q13.2.
Variant type: single nucleotide variant.
Coding change: c.14132C>G on transcript NM_000540.3 (MANE Select); coding-DNA position 14132, C replaced by G.
Protein change: p.Ser4711Cys; replaces serine 4711 with cysteine.
Molecular consequence: missense variant.
Genome position (GRCh38, 1-based): chr19:38,575,921, C>G. VCF-style: chr19-38575921-C-G. GRCh37 (hg19) VCF-style: chr19-39066561-C-G.
Other names: c.14117C>G, p.Ser4706Cys (NM_001042723.2); short protein forms S4711C, S4706C.
Identifiers: ClinVar variation 544415 (VCV000544415.15), dbSNP rs201147958, ClinGen allele CA060895.

ClinVar aggregate classification (germline): Uncertain significance. Review status: criteria provided, multiple submitters, no conflicts (2 of 4 stars). 6 submissions from 6 submitters: Uncertain significance (6). Last evaluated 2025-07-01.

Conditions:
Central core myopathy (CMYO1A). Also called: Central core disease; Myopathy, central fibrillar; CONGENITAL MYOPATHY 1A, AUTOSOMAL DOMINANT, WITH SUSCEPTIBILITY TO MALIGNANT HYPERTHERMIA. Identifiers: Orphanet 597, MedGen C5830701, MONDO:0007294, OMIM 117000.
Malignant hyperthermia, susceptibility to, 1 (MHS1). Also called: RYR1-Related Malignant Hyperthermia Susceptibility; Anesthesia related hyperthermia; Malignant hyperpyrexia; Fulminating hyperpyrexia; Pharmacogenic myopathy; Malignant hyperthermia suceptibility 1. Identifiers: Orphanet 423, MedGen C2930980, MONDO:0007783, OMIM 145600.
Congenital myopathy with fiber type disproportion. Also called: Congenital fiber-type disproportion; Congenital fiber-type disproportion myopathy. Identifiers: Orphanet 2020, MedGen C0546264, MONDO:0009711. Inheritance: all.
King Denborough syndrome (KDS). Identifiers: MedGen C1840365, MONDO:0020485, OMIM 619542.
Congenital multicore myopathy with external ophthalmoplegia (CMYO1B). Also called: MULTICORE MYOPATHY; Congenital myopathy 1B, autosomal recessive; Minicore myopathy; MULTIMINICORE DISEASE WITH EXTERNAL OPHTHALMOPLEGIA; Minicore myopathy with external ophthalmoplegia. Identifiers: Orphanet 598, Orphanet 98905, MedGen C1850674, MONDO:0009712, OMIM 255320, HP:0003789.
RYR1-related disorder. Also called: RYR1-related condition; RYR1-related disorders. Identifiers: MedGen CN239331.

Allele frequency attached by ClinVar (database versions not stated): ExAC 0.00002; gnomAD exomes 0.00002 and 0.00003; TOPMed 0.00004; 1000 Genomes Project 30x 0.00016; 1000 Genomes Project 0.00020.
gnomAD v4.1: 51 of 1,614,198 alleles (0.0032%); highest among the groups gnomAD compares: African/African-American, 0.004%; no homozygotes.

Submissions (6):

GeneDx
Classification: Uncertain significance. Last evaluated: 2025-07-01. Review status: criteria provided, single submitter. Criteria: GeneDx Variant Classification Process June 2021. Collection method: clinical testing. Allele origin: germline. Affected: yes.
Comment: Reported in a patient from a cohort of individuals with presumed RYR1-related myopathy in published literature; however, no further clinical or segregation information was provided (PMID: 32236737); In silico analysis supports that this missense variant has a deleterious effect on protein structure/function; Not observed at significant frequency in large population cohorts (gnomAD); This variant is associated with the following publications: (PMID: 20681998, 33767344, 16084090, 32236737)

Color Diagnostics, LLC DBA Color Health
Classification: Uncertain significance for Malignant hyperthermia, susceptibility to, 1. Last evaluated: 2024-03-08. Review status: criteria provided, single submitter. Criteria: ACMG Guidelines, 2015. Collection method: clinical testing. Allele origin: germline.
Comment: This missense variant replaces serine with cysteine at codon 4711 of the RYR1 protein. Computational prediction suggests that this variant may have deleterious impact on protein structure and function. To our knowledge, functional studies have not been reported for this variant. This variant has not been reported in individuals affected with RYR1-related disorders in the literature. This variant has been identified in 5/251450 chromosomes in the general population by the Genome Aggregation Database (gnomAD). The available evidence is insufficient to determine the role of this variant in disease conclusively. Therefore, this variant is classified as a Variant of Uncertain Significance.

Labcorp Genetics (formerly Invitae), Labcorp
Classification: Uncertain significance for RYR1-related disorder. Last evaluated: 2024-01-04. Review status: criteria provided, single submitter. Criteria: Invitae Variant Classification Sherloc (09022015). Collection method: clinical testing. Allele origin: germline.
Comment: This sequence change replaces serine, which is neutral and polar, with cysteine, which is neutral and slightly polar, at codon 4711 of the RYR1 protein (p.Ser4711Cys). This variant is present in population databases (rs201147958, gnomAD 0.01%). This variant has not been reported in the literature in individuals affected with RYR1-related conditions. ClinVar contains an entry for this variant (Variation ID: 544415). Experimental studies and prediction algorithms are not available or were not evaluated, and the functional significance of this variant is currently unknown. In summary, the available evidence is currently insufficient to determine the role of this variant in disease. Therefore, it has been classified as a Variant of Uncertain Significance.

Fulgent Genetics
Classification: Uncertain significance for Central core myopathy; Malignant hyperthermia, susceptibility to, 1; Congenital myopathy 4A, autosomal dominant; Congenital multicore myopathy with external ophthalmoplegia; King Denborough syndrome. Last evaluated: 2021-09-21. Review status: criteria provided, single submitter. Criteria: ACMG Guidelines, 2015. Collection method: clinical testing. Allele origin: unknown.

Revvity Omics, Revvity
Classification: Uncertain significance. Last evaluated: 2021-05-28. Review status: criteria provided, single submitter. Criteria: ACMG Guidelines, 2015. Collection method: clinical testing. Allele origin: germline.

PreventionGenetics, part of Exact Sciences
Classification: Uncertain significance. Last evaluated: 2017-10-20. Review status: criteria provided, single submitter. Criteria: ACMG Guidelines, 2015. Collection method: clinical testing. Allele origin: germline.